The following is an entry in ClinVar:

NM_007194.4(CHEK2):c.1024_1032dup (p.Ile344_His345insGlyIleIle)

Gene: CHEK2 (checkpoint kinase 2; minus strand). Cytogenetic location: 22q12.1.
Variant type: Duplication.
Coding change: c.1024_1032dup on transcript NM_007194.4 (MANE Select); coding-DNA positions 1024 to 1032, 9 bases duplicated (GGTATTATA; older notation c.1024_1032dupGGTATTATA).
Protein change: p.Ile344_His345insGlyIleIle.
Molecular consequence: inframe insertion. On other transcripts: intron variant (3).
Genome position (GRCh38, 1-based): chr22:28,696,964-28,696,972, TATAATACC duplicated on the plus strand (GGTATTATA on the coding strand, the reverse complement: CHEK2 is on the minus strand). VCF-style (leftmost placement, unchanged base first): chr22-28696963-G-GTATAATACC. GRCh37 (hg19) VCF-style: chr22-29092951-G-GTATAATACC.
Other names: c.1153_1161dup, p.Ile387_His388insGlyIleIle (NM_001005735.3); c.361_369dup, p.Ile123_His124insGlyIleIle (NM_001257387.3, NM_001437942.1); c.823_831dup, p.Ile277_His278insGlyIleIle (NM_001349956.3); c.1117_1125dup, p.Ile375_His376insGlyIleIle (NM_001438293.1); c.1009-1099_1009-1091dup (NM_145862.3); c.1102-1099_1102-1091dup (NM_001438295.1); c.1138-1099_1138-1091dup (NM_001438294.1).
Identifiers: ClinVar variation 2586652 (VCV002586652.5), dbSNP rs2517822690, ClinGen allele CA2582342811.

ClinVar aggregate classification (germline): Uncertain significance. Review status: criteria provided, multiple submitters, no conflicts (2 of 4 stars). 2 submissions from 2 submitters: Uncertain significance (2). Last evaluated 2024-01-17.

Conditions:
Hereditary cancer-predisposing syndrome. Also called: Hereditary neoplastic syndrome; Tumor predisposition; Hereditary Cancer Syndrome; Neoplastic Syndromes, Hereditary. Identifiers: Orphanet 140162, MedGen C0027672, MeSH D009386, MONDO:0015356.
Familial cancer of breast. Also called: BREAST CANCER, FAMILIAL; hereditary breast carcinoma; Hereditary breast cancer. Identifiers: Orphanet 227535, MedGen C0346153, MONDO:0016419, OMIM 114480. Disease mechanism: loss of function.

Submissions (2):

Labcorp Genetics (formerly Invitae), Labcorp
Classification: Uncertain significance for Familial cancer of breast. Last evaluated: 2024-01-17. Review status: criteria provided, single submitter. Criteria: Invitae Variant Classification Sherloc (09022015). Collection method: clinical testing. Allele origin: germline.
Comment: This variant, c.1024_1032dup, results in the insertion of 3 amino acid(s) of the CHEK2 protein (p.Gly342_Ile344dup), but otherwise preserves the integrity of the reading frame. This variant is not present in population databases (gnomAD no frequency). This variant has not been reported in the literature in individuals affected with CHEK2-related conditions. ClinVar contains an entry for this variant (Variation ID: 2586652). Algorithms developed to predict the effect of sequence changes on RNA splicing suggest that this variant may disrupt the consensus splice site. In summary, the available evidence is currently insufficient to determine the role of this variant in disease. Therefore, it has been classified as a Variant of Uncertain Significance.

Ambry Genetics
Classification: Uncertain significance for Hereditary cancer-predisposing syndrome. Last evaluated: 2023-08-01. Review status: criteria provided, single submitter. Criteria: Ambry Variant Classification Scheme 2023. Collection method: clinical testing. Allele origin: germline.
Comment: The c.1024_1032dupGGTATTATA variant (also known as p.G342_I344dup), located in coding exon 9 of the CHEK2 gene, results from an in-frame duplication of GGTATTATA at nucleotide positions 1024 to 1032. This results in the duplication of 3 extra residues (GII) between codons 342 and 344. This amino acid region is highly conserved in available vertebrate species. In addition, this alteration is predicted to be deleterious by in silico analysis (Choi Y et al. PLoS ONE. 2012; 7(10):e46688). Since supporting evidence is limited at this time, the clinical significance of this alteration remains unclear.